The following is an entry in ClinVar:

NM_000218.3(KCNQ1):c.1514+19929G>C

Genes: KCNQ1 (potassium voltage-gated channel subfamily Q member 1; plus strand), KCNQ1OT1 (KCNQ1 opposite strand/antisense transcript 1; minus strand). Cytogenetic location: 11p15.5.
Variant type: single nucleotide variant.
Coding change: c.1514+19929G>C on transcript NM_000218.3 (MANE Select); 19929 bases into the intron after coding-DNA position 1514, G replaced by C.
Molecular consequence: intron variant.
Genome position (GRCh38, 1-based): chr11:2,682,010, G>C. VCF-style: chr11-2682010-G-C. GRCh37 (hg19) VCF-style: chr11-2703240-G-C.
Other names: c.1244+19929G>C (NM_001406837.1); c.1418+19929G>C (NM_001406836.1); c.974+19929G>C (NM_001406838.1); c.1133+19929G>C (NM_181798.2).
Identifiers: ClinVar variation 1701165 (VCV001701165.31), dbSNP rs150144003, ClinGen allele CA216185760.

ClinVar aggregate classification (germline): Benign (1 of 4 stars; one submission).

Allele frequency attached by ClinVar (database versions not stated): TOPMed 0.00028; gnomAD 0.00029; 1000 Genomes Project 30x 0.00047; gnomAD exomes 0.00051; 1000 Genomes Project 0.00060.
gnomAD v4.1: 178 of 398,554 alleles (0.045%); highest among the groups gnomAD compares: Middle Eastern, 0.13%; 2 homozygotes.

Submission:

CeGaT Center for Human Genetics Tuebingen
Classification: Benign. Last evaluated: 2026-08-01. Review status: criteria provided, single submitter. Criteria: CeGaT Center For Human Genetics Tuebingen Variant Classification Criteria Version 2. Collection method: clinical testing. Allele origin: germline. Affected: yes. Observed: 19 variant alleles.
Comment: KCNQ1OT1: BS1, BS2